The following is an entry in ClinVar:

ClinVar aggregate classification (germline): Uncertain significance (1 of 4 stars; one submission).

Conditions:
Generalized epilepsy with febrile seizures plus, type 2 (GEFSP2). Also called: GEFS+, TYPE 2. Identifiers: Orphanet 36387, MedGen C1858673, MONDO:0011461, OMIM 604403.

Submission:

Neuberg Centre For Genomic Medicine, NCGM
Classification: Uncertain significance for Generalized epilepsy with febrile seizures plus, type 2. Review status: criteria provided, single submitter. Criteria: ACMG Guidelines, 2015. Collection method: clinical testing. Allele origin: germline. Inheritance: Autosomal dominant inheritance. Affected: yes.
Comment: The missense variant c.1033T>A (p.Cys345Ser) in SCN1A gene has not been reported previously as a pathogenic variant nor as a benign variant, to our knowledge. The p.Cys345Ser variant is novel (not in any individuals) in gnomAD Exomes and 1000 Genomes. The amino acid Cys at position 345 is changed to a Ser changing protein sequence and it might alter its composition and physico-chemical properties. The amino acid change p.Cys345Ser in SCN1A is predicted as conserved by GERP++ and PhyloP across 100 vertebrates. For these reasons, this variant has been classified as Uncertain Significance.

NM_001165963.4(SCN1A):c.1033T>A (p.Cys345Ser)

Gene: SCN1A (sodium voltage-gated channel alpha subunit 1; minus strand). Cytogenetic location: 2q24.3.
Variant type: single nucleotide variant.
Coding change: c.1033T>A on transcript NM_001165963.4 (MANE Select); coding-DNA position 1033, T replaced by A.
Protein change: p.Cys345Ser; replaces cysteine 345 with serine.
Molecular consequence: missense variant. On other transcripts: 5 prime UTR variant (1), non-coding transcript variant (1).
Genome position (GRCh38, 1-based): chr2:166,047,764, A>T on the plus strand (T>A on the coding strand, the complement: SCN1A is on the minus strand). VCF-style: chr2-166047764-A-T. GRCh37 (hg19) VCF-style: chr2-166904274-A-T.
Other names: c.1033T>A, p.Cys345Ser (NM_001165964.3, NM_001202435.3, NM_001353948.2 and 10 more transcripts); c.-1393T>A (NM_001353961.2); short protein forms C345S.
Identifiers: ClinVar variation 2584894 (VCV002584894.1), dbSNP rs794726782, ClinGen allele CA349071466.